The following is an entry in ClinVar:

NM_001029896.2(WDR45):c.587C>G (p.Ala196Gly)

Gene: WDR45 (WD repeat domain 45; minus strand). Cytogenetic location: Xp11.23.
Variant type: single nucleotide variant.
Coding change: c.587C>G on transcript NM_001029896.2 (MANE Select); coding-DNA position 587, C replaced by G.
Protein change: p.Ala196Gly; replaces alanine 196 with glycine.
Molecular consequence: missense variant.
Genome position (GRCh38, 1-based): chrX:49,075,683, G>C on the plus strand (C>G on the coding strand, the complement: WDR45 is on the minus strand). VCF-style: chrX-49075683-G-C. GRCh37 (hg19) VCF-style: chrX-48933342-G-C.
Other names: c.590C>G, p.Ala197Gly (NM_007075.4); short protein forms A196G, A197G.
Identifiers: ClinVar variation 3469428 (VCV003469428.3).

ClinVar aggregate classification (germline): Uncertain significance. Review status: criteria provided, multiple submitters, no conflicts (2 of 4 stars). 2 submissions from 2 submitters: Uncertain significance (2). Last evaluated 2024-06-26.

Conditions:
Neurodegeneration with brain iron accumulation 5 (NBIA5). Also called: STATIC ENCEPHALOPATHY OF CHILDHOOD WITH NEURODEGENERATION IN ADULTHOOD; Beta-propeller protein-associated neurodegeneration. Identifiers: Orphanet 329284, MedGen C3550973, MONDO:0010476, OMIM 300894.
Inborn genetic diseases. Identifiers: MedGen C0950123, MeSH D030342.

Submissions (2):

Ambry Genetics
Classification: Uncertain significance for Inborn genetic diseases. Last evaluated: 2024-06-26. Review status: criteria provided, single submitter. Criteria: Ambry Variant Classification Scheme 2023. Collection method: clinical testing. Allele origin: germline.

Labcorp Genetics (formerly Invitae), Labcorp
Classification: Uncertain significance for Neurodegeneration with brain iron accumulation 5. Last evaluated: 2024-02-06. Review status: criteria provided, single submitter. Criteria: Invitae Variant Classification Sherloc (09022015). Collection method: clinical testing. Allele origin: germline.
Comment: This sequence change replaces alanine, which is neutral and non-polar, with glycine, which is neutral and non-polar, at codon 197 of the WDR45 protein (p.Ala197Gly). This variant is not present in population databases (gnomAD no frequency). This variant has not been reported in the literature in individuals affected with WDR45-related conditions. Advanced modeling of protein sequence and biophysical properties (such as structural, functional, and spatial information, amino acid conservation, physicochemical variation, residue mobility, and thermodynamic stability) performed at Invitae indicates that this missense variant is not expected to disrupt WDR45 protein function with a negative predictive value of 80%. In summary, the available evidence is currently insufficient to determine the role of this variant in disease. Therefore, it has been classified as a Variant of Uncertain Significance.